The following is an entry in ClinVar:

NM_032228.6(FAR1):c.546-13A>G

Gene: FAR1 (fatty acyl-CoA reductase 1; plus strand). Cytogenetic location: 11p15.3.
Variant type: single nucleotide variant.
Coding change: c.546-13A>G on transcript NM_032228.6 (MANE Select); 13 bases into the intron before coding-DNA position 546, A replaced by G.
Molecular consequence: intron variant.
Genome position (GRCh38, 1-based): chr11:13,710,680, A>G. VCF-style: chr11-13710680-A-G. GRCh37 (hg19) VCF-style: chr11-13732227-A-G.
Identifiers: ClinVar variation 3652753 (VCV003652753.3).

ClinVar aggregate classification (germline): Uncertain significance. Review status: criteria provided, multiple submitters, no conflicts (2 of 4 stars). 2 submissions from 2 submitters: Uncertain significance (2). Last evaluated 2025-03-21.

Conditions:
Fatty acyl-CoA reductase 1 deficiency. Also called: Peroxisomal fatty acyl-coa reductase 1 disorder. Identifiers: Orphanet 438178, MedGen C4015344, MONDO:0014510, OMIM 616154.

gnomAD v4.1: 1 of 1,554,414 alleles (0.000064%); highest among the groups gnomAD compares: Non-Finnish European, 0.000086%; no homozygotes.

Submissions (2):

Institute of Human Genetics, University of Leipzig Medical Center
Classification: Uncertain significance for Fatty acyl-CoA reductase 1 deficiency. Last evaluated: 2025-03-21. Review status: criteria provided, single submitter. Criteria: ACMG Guidelines, 2015. Collection method: clinical testing. Allele origin: inherited. Inheritance: Autosomal recessive inheritance. Affected: yes.
Comment: Criteria applied: PM2,PP3

Labcorp Genetics (formerly Invitae), Labcorp
Classification: Uncertain significance. Last evaluated: 2024-12-10. Review status: criteria provided, single submitter. Criteria: Invitae Variant Classification Sherloc (09022015). Collection method: clinical testing. Allele origin: germline.
Comment: This sequence change falls in intron 4 of the FAR1 gene. It does not directly change the encoded amino acid sequence of the FAR1 protein. This variant is not present in population databases (gnomAD no frequency). This variant has not been reported in the literature in individuals affected with FAR1-related conditions. Algorithms developed to predict the effect of sequence changes on RNA splicing suggest that this variant may disrupt the consensus splice site. In summary, the available evidence is currently insufficient to determine the role of this variant in disease. Therefore, it has been classified as a Variant of Uncertain Significance.